The following is an entry in ClinVar:

NM_001164508.2(NEB):c.11584_11587dup (p.Asp3863delinsValTer)

Gene: NEB (nebulin; minus strand). Cytogenetic location: 2q23.3.
Variant type: Duplication.
Coding change: c.11584_11587dup on transcript NM_001164508.2 (MANE Select); coding-DNA positions 11584 to 11587, 4 bases duplicated (TATG; older notation c.11584_11587dupTATG).
Protein change: p.Asp3863delinsValTer.
Molecular consequence: nonsense.
Genome position (GRCh38, 1-based): chr2:151,614,290-151,614,293, CATA duplicated on the plus strand (TATG on the coding strand, the reverse complement: NEB is on the minus strand). VCF-style (leftmost placement, unchanged base first): chr2-151614289-T-TCATA. GRCh37 (hg19) VCF-style: chr2-152470803-T-TCATA.
Other names: c.11584_11587dup (NM_001271208.1); c.11584_11587dupTATG (NM_001271208.1); c.11584_11587dup, p.Asp3863delinsValTer (NM_001164507.2, NM_001271208.2); c.10855_10858dup, p.Asp3620delinsValTer (NM_004543.5).
Identifiers: ClinVar variation 1451228 (VCV001451228.9), dbSNP rs2153991555, ClinGen allele CA2547244781.

ClinVar aggregate classification (germline): Pathogenic/Likely pathogenic. Review status: criteria provided, multiple submitters, no conflicts (2 of 4 stars). 4 submissions from 4 submitters: Pathogenic (1); Likely pathogenic (3). Last evaluated 2025-03-11.

Conditions:
Nemaline myopathy 2 (NEM2). Also called: Nemaline myopathy 2, autosomal recessive. Identifiers: MedGen C1850569, MONDO:0009725, OMIM 256030.
Arthrogryposis multiplex congenita 6. Identifiers: MedGen C5543431, MONDO:0030281, OMIM 619334.

Submissions (4):

Natera, Inc.
Classification: Likely pathogenic for Nemaline myopathy type 2. Last evaluated: 2025-03-11. Review status: criteria provided, single submitter. Criteria: Natera Variant Classification Schema (03/2026). Collection method: clinical testing. Allele origin: germline.
Comment: The c.11584_11587dupTATG variant in NEB is a frameshift variant predicted to shift the reading frame beginning at codon 3863 and leads to a stop codon 2 codons downstream. This variant is expected to result in nonsense mediated decay, truncation, or a dysfunctional protein product. This variant is rare in the general population with a frequency below the threshold expected for the associated phenotype(s). Given the available evidence, this variant is classified as Likely Pathogenic.

Fulgent Genetics
Classification: Likely pathogenic for Nemaline myopathy 2; Arthrogryposis multiplex congenita 6. Last evaluated: 2024-05-07. Review status: criteria provided, single submitter. Criteria: ACMG Guidelines, 2015. Collection method: clinical testing. Allele origin: germline.

Baylor Genetics
Classification: Likely pathogenic for Arthrogryposis multiplex congenita 6. Last evaluated: 2024-02-19. Review status: criteria provided, single submitter. Criteria: ACMG Guidelines, 2015. Collection method: clinical testing. Allele origin: unknown.

Labcorp Genetics (formerly Invitae), Labcorp
Classification: Pathogenic for Nemaline myopathy 2. Last evaluated: 2022-11-01. Review status: criteria provided, single submitter. Criteria: Invitae Variant Classification Sherloc (09022015). Collection method: clinical testing. Allele origin: germline.
Comment: For these reasons, this variant has been classified as Pathogenic. ClinVar contains an entry for this variant (Variation ID: 1451228). This variant has not been reported in the literature in individuals affected with NEB-related conditions. This variant is not present in population databases (gnomAD no frequency). This sequence change creates a premature translational stop signal (p.Asp3863Valfs*2) in the NEB gene. It is expected to result in an absent or disrupted protein product. Loss-of-function variants in NEB are known to be pathogenic (PMID: 25205138).

Literature cited by the submitters: PubMed 25205138 (cited by Labcorp Genetics (formerly Invitae), Labcorp).